The following is an entry in ClinVar:

NM_000548.5(TSC2):c.2141C>T (p.Pro714Leu)

Gene: TSC2 (TSC complex subunit 2; plus strand). Cytogenetic location: 16p13.3.
Variant type: single nucleotide variant.
Coding change: c.2141C>T on transcript NM_000548.5 (MANE Select); coding-DNA position 2141, C replaced by T.
Protein change: p.Pro714Leu; replaces proline 714 with leucine.
Molecular consequence: missense variant. On other transcripts: non-coding transcript variant (5).
Genome position (GRCh38, 1-based): chr16:2,072,284, C>T. VCF-style: chr16-2072284-C-T. GRCh37 (hg19) VCF-style: chr16-2122285-C-T.
Other names: c.2030C>T, p.Pro677Leu (NM_001406678.1, NM_001406670.1, NM_001318827.2); c.1994C>T, p.Pro665Leu (NM_001406679.1, NM_001406675.1, NM_001406676.1 and 1 more transcripts); c.1541C>T, p.Pro514Leu (NM_001406680.1, NM_001406682.1, NM_001406683.1 and 6 more transcripts); c.1679C>T, p.Pro560Leu (NM_001406681.1); c.2141C>T, p.Pro714Leu (NM_001406665.1, NM_001077183.3, NM_001114382.3 and 6 more transcripts); c.2231C>T, p.Pro744Leu (NM_001406667.1, NM_001406668.1); c.2129C>T, p.Pro710Leu (NM_001406671.1, NM_001406673.1); c.2084C>T, p.Pro695Leu (NM_001406677.1); and 3 more; short protein forms P180L, P266L, P514L, P560L, P665L, P677L, P695L, P710L.
Identifiers: ClinVar variation 3232105 (VCV003232105.3), dbSNP rs2151316994, ClinGen allele CA394274833.

ClinVar aggregate classification (germline): Uncertain significance. Review status: criteria provided, multiple submitters, no conflicts (2 of 4 stars). 2 submissions from 2 submitters: Uncertain significance (2). Last evaluated 2026-06-18.

Conditions:
Tuberous sclerosis 2 (TSC2). Identifiers: Orphanet 805, MedGen C1860707, MONDO:0013199, OMIM 613254.
Hereditary cancer-predisposing syndrome. Also called: Neoplastic Syndromes, Hereditary; Tumor predisposition; Hereditary Cancer Syndrome; Hereditary neoplastic syndrome. Identifiers: Orphanet 140162, MedGen C0027672, MeSH D009386, MONDO:0015356.

Submissions (2):

Ambry Genetics
Classification: Uncertain significance for Hereditary cancer-predisposing syndrome. Last evaluated: 2026-06-18. Review status: criteria provided, single submitter. Criteria: Ambry Variant Classification Scheme 2023. Collection method: clinical testing. Allele origin: germline.
Comment: The p.P714L variant (also known as c.2141C>T), located in coding exon 19 of the TSC2 gene, results from a C to T substitution at nucleotide position 2141. The proline at codon 714 is replaced by leucine, an amino acid with similar properties. This amino acid position is conserved. In addition, this alteration is predicted to be deleterious by in silico analysis. Based on the available evidence, the clinical significance of this variant remains unclear.

Labcorp Genetics (formerly Invitae), Labcorp
Classification: Uncertain significance for Tuberous sclerosis 2. Last evaluated: 2025-08-28. Review status: criteria provided, single submitter. Criteria: Invitae Variant Classification Sherloc (09022015). Collection method: clinical testing. Allele origin: germline.
Comment: This sequence change replaces proline, which is neutral and non-polar, with leucine, which is neutral and non-polar, at codon 714 of the TSC2 protein (p.Pro714Leu). This variant is not present in population databases (gnomAD no frequency). This variant has not been reported in the literature in individuals affected with TSC2-related conditions. ClinVar contains an entry for this variant (Variation ID: 3232105). Invitae Evidence Modeling of protein sequence and biophysical properties (such as structural, functional, and spatial information, amino acid conservation, physicochemical variation, residue mobility, and thermodynamic stability) has been performed for this missense variant. However, the output from this modeling did not meet the statistical confidence thresholds required to predict the impact of this variant on TSC2 protein function. In summary, the available evidence is currently insufficient to determine the role of this variant in disease. Therefore, it has been classified as a Variant of Uncertain Significance.